The following is an entry in ClinVar:

ClinVar aggregate classification (germline): Uncertain significance (1 of 4 stars; one submission).

Conditions:
Wiskott-Aldrich syndrome 2 (WAS2). Also called: WIPF1 DEFICIENCY. Identifiers: Orphanet 906, MedGen C3281001, MONDO:0013779, OMIM 614493.

Submission:

Labcorp Genetics (formerly Invitae), Labcorp
Classification: Uncertain significance for Wiskott-Aldrich syndrome 2. Last evaluated: 2021-11-10. Review status: criteria provided, single submitter. Criteria: Invitae Variant Classification Sherloc (09022015). Collection method: clinical testing. Allele origin: germline.
Comment: This sequence change replaces glycine, which is neutral and non-polar, with cysteine, which is neutral and slightly polar, at codon 227 of the WIPF1 protein (p.Gly227Cys). In summary, the available evidence is currently insufficient to determine the role of this variant in disease. Therefore, it has been classified as a Variant of Uncertain Significance. Algorithms developed to predict the effect of missense changes on protein structure and function are either unavailable or do not agree on the potential impact of this missense change (SIFT: "Not Available"; PolyPhen-2: "Possibly Damaging"; Align-GVGD: "Not Available"). This variant has not been reported in the literature in individuals affected with WIPF1-related conditions. This variant is not present in population databases (gnomAD no frequency).

NM_001375834.1(WIPF1):c.679G>T (p.Gly227Cys)

Gene: WIPF1 (WAS/WASL interacting protein family member 1; minus strand). Cytogenetic location: 2q31.1.
Variant type: single nucleotide variant.
Coding change: c.679G>T on transcript NM_001375834.1 (MANE Select); coding-DNA position 679, G replaced by T.
Protein change: p.Gly227Cys; replaces glycine 227 with cysteine.
Molecular consequence: missense variant.
Genome position (GRCh38, 1-based): chr2:174,572,126, C>A on the plus strand (G>T on the coding strand, the complement: WIPF1 is on the minus strand). VCF-style: chr2-174572126-C-A. GRCh37 (hg19) VCF-style: chr2-175436854-C-A.
Other names: c.679G>T, p.Gly227Cys (NM_001077269.1, NM_001375832.1, NM_001375833.1 and 5 more transcripts); c.301G>T, p.Gly101Cys (NM_001375839.1); short protein forms G227C, G101C.
Identifiers: ClinVar variation 1392441 (VCV001392441.6), dbSNP rs778029521, ClinGen allele CA349342168.